The following is an entry in ClinVar:

ClinVar aggregate classification (germline): Pathogenic. Review status: criteria provided, multiple submitters, no conflicts (2 of 4 stars). 3 submissions from 3 submitters: Pathogenic (2). 1 of the submissions does not count toward it. Last evaluated 2021-01-04.

Conditions:
Spastic ataxia. Identifiers: Orphanet 316226, MedGen C1849156, MONDO:0017845, HP:0002497.
Xeroderma pigmentosum, type F/Cockayne syndrome. Identifiers: MedGen C3806565, MONDO:0800313.
Cockayne syndrome. Identifiers: Orphanet 191, MedGen C0009207, MONDO:0016006.
Xeroderma pigmentosum, group F (XPF). Also called: XERODERMA PIGMENTOSUM, COMPLEMENTATION GROUP F; XERODERMA PIGMENTOSUM VI; XP, GROUP F; ERCC4-Related Xeroderma Pigmentosum; XERODERMA PIGMENTOSUM, TYPE F; Xeroderma pigmentosum, type 6. Identifiers: MedGen C0268140, MONDO:0010215, OMIM 278760.
Fanconi anemia complementation group Q. Identifiers: Orphanet 84, MedGen C3808988, MONDO:0014108, OMIM 615272.

Allele frequency attached by ClinVar (database versions not stated): gnomAD exomes 0.00001; ExAC 0.00002.

Submissions (3):

Molecular Medicine for Neurodegenerative and Neuromuscular Diseases Unit, IRCCS Fondazione Stella Maris
Classification: Pathogenic for Spastic ataxia. Last evaluated: 2021-01-04. Review status: criteria provided, single submitter. Criteria: ACMG Guidelines, 2015. Collection method: research. Allele origin: unknown. Affected: yes.

Labcorp Genetics (formerly Invitae), Labcorp
Classification: Pathogenic for Fanconi anemia complementation group Q; Xeroderma pigmentosum, group F; Cockayne syndrome. Last evaluated: 2020-11-20. Review status: criteria provided, single submitter. Criteria: Invitae Variant Classification Sherloc (09022015). Collection method: clinical testing. Allele origin: germline.
Comment: This sequence change creates a premature translational stop signal (p.Tyr577*) in the ERCC4 gene. It is expected to result in an absent or disrupted protein product. Loss-of-function variants in ERCC4 are known to be pathogenic (PMID: 9580660). This variant is present in population databases (rs747759202, ExAC 0.006%). This variant has been observed in individual(s) with clinical features of Cockayne syndrome (PMID: 23623389). ClinVar contains an entry for this variant (Variation ID: 55828). For these reasons, this variant has been classified as Pathogenic.

OMIM
Classification: Pathogenic for XERODERMA PIGMENTOSUM, TYPE F/COCKAYNE SYNDROME. Last evaluated: 2013-05-02. Review status: no assertion criteria provided. Collection method: literature only. Allele origin: germline. Not counted in ClinVar's aggregate classification.

Literature cited by the submitters: PubMed 9580660 (cited by Labcorp Genetics (formerly Invitae), Labcorp); PubMed 23623389 (cited by Labcorp Genetics (formerly Invitae), Labcorp and OMIM).

NM_005236.3(ERCC4):c.1730dup (p.Tyr577Ter)

Gene: ERCC4 (ERCC excision repair 4, endonuclease catalytic subunit; plus strand). Cytogenetic location: 16p13.12.
Variant type: Duplication.
Coding change: c.1730dup on transcript NM_005236.3 (MANE Select); coding-DNA position 1730, one base duplicated (A; older notation c.1730dupA).
Protein change: p.Tyr577Ter; replaces tyrosine 577 with a stop codon.
Molecular consequence: nonsense.
Genome position (GRCh38, 1-based): chr16:13,935,662, A duplicated. VCF-style (leftmost placement, unchanged base first): chr16-13935661-T-TA. GRCh37 (hg19) VCF-style: chr16-14029518-T-TA.
Other names: c.1730dupA (NM_005236.3); short protein forms Y577*.
Identifiers: ClinVar variation 55828 (VCV000055828.12), dbSNP rs397509404, ClinGen allele CA143940.